The following is an entry in ClinVar:

ClinVar aggregate classification (germline): Uncertain significance (1 of 4 stars; one submission).

Conditions:
X-linked Alport syndrome (ATS1). Also called: COL4A5-Related Nephropathy; NEPHROPATHY AND DEAFNESS, X-LINKED. Identifiers: Orphanet 63, Orphanet 88917, MedGen C4746986, MONDO:0010520, OMIM 301050.

Submission:

Victorian Clinical Genetics Services, Murdoch Childrens Research Institute
Classification: Uncertain significance for X-linked Alport syndrome. Last evaluated: 2026-07-03. Review status: criteria provided, single submitter. Criteria: ACMG Guidelines, 2015. Collection method: clinical testing. Allele origin: germline. Affected: yes.
Comment: This variant is classified as VUS-3A. Evidence in support of pathogenic classification: In-frame deletion in a non-repetitive region that has high conservation; This variant is absent from gnomAD v4. Additional information: This variant is heterozygous; This gene is associated with X-linked dominant disease. Males are typically more severely affected than females (PMID: 19965530); This variant has no previous evidence of pathogenicity; No published evidence of segregation with disease has been identified for this variant; No published functional evidence has been identified for this variant; Variant is located in the annotated triple helical G-X-Y repeat region (DECIPHER); Dominant negative and loss of function are known mechanisms of disease in this gene and are associated with X-linked Alport syndrome 1 (MIM#301050). Dominant negative is caused mostly by glycine substitutions that affect the conformation of the protein, and loss of function can be caused by either protein truncating or missense variants (PMID: 24046192, 12028435); Variants in this gene are known to have variable expressivity. There is intrafamilial variability among affected carrier females, possibly due to variable X-inactivation (PMID: 14514738); Inheritance information for this variant is not currently available in this individual.

Literature cited by the submitters: PubMed 19965530; PubMed 12028435; PubMed 24046192; PubMed 14514738.

NM_033380.3(COL4A5):c.2017_2019del (p.Arg673del)

Gene: COL4A5 (collagen type IV alpha 5 chain; plus strand). Cytogenetic location: Xq22.3.
Variant type: Deletion.
Coding change: c.2017_2019del on transcript NM_033380.3 (MANE Select); coding-DNA positions 2017 to 2019, 3 bases deleted (AGA; older notation c.2017_2019delAGA).
Protein change: p.Arg673del; deletes arginine 673.
Molecular consequence: inframe deletion.
Genome position (GRCh38, 1-based): chrX:108,601,461-108,601,463, AGA deleted. VCF-style (leftmost placement, unchanged base first): chrX-108601460-CAGA-C. GRCh37 (hg19) VCF-style: chrX-107844690-CAGA-C.
Other names: c.2017_2019del, p.Arg673del (NM_000495.5); short protein forms R673del.
Identifiers: ClinVar variation 4879767 (VCV004879767.1).